The following is an entry in ClinVar:

NM_004171.4(SLC1A2):c.1198G>T (p.Gly400Cys)

Gene: SLC1A2 (solute carrier family 1 member 2; minus strand). Cytogenetic location: 11p13.
Variant type: single nucleotide variant.
Coding change: c.1198G>T on transcript NM_004171.4 (MANE Select); coding-DNA position 1198, G replaced by T.
Protein change: p.Gly400Cys; replaces glycine 400 with cysteine.
Molecular consequence: missense variant.
Genome position (GRCh38, 1-based): chr11:35,286,845, C>A on the plus strand (G>T on the coding strand, the complement: SLC1A2 is on the minus strand). VCF-style: chr11-35286845-C-A. GRCh37 (hg19) VCF-style: chr11-35308392-C-A.
Other names: c.1198G>T (NM_004171.3); c.1171G>T, p.Gly391Cys (NM_001195728.3, NM_001252652.2); short protein forms G400C, G391C.
Identifiers: ClinVar variation 2181638 (VCV002181638.5), dbSNP rs1348584928, ClinGen allele CA380122899.
Genomic context (GRCh38, chr11:35,286,845, plus strand): 5'-GGACAACACCATTCATTTGGGCTATAAAGATGGCGGCTACCGCTTCATAAAGGGCTGTAC[C>A]ATCCATGTTAATGGTTGCTCCAACAGGAAGGACGAATCTAGTCACACGCTTATCAATCCC-3'
Protein context (NP_004162.2, residues 390-410): LPVGATINMD[Gly400Cys]TALYEAVAAI

ClinVar aggregate classification (germline): Uncertain significance. Review status: criteria provided, multiple submitters, no conflicts (2 of 4 stars). 2 submissions from 2 submitters: Uncertain significance (2). Last evaluated 2024-12-02.

Conditions:
Inborn genetic diseases. Identifiers: MedGen C0950123, MeSH D030342.

Allele frequency attached by ClinVar (database versions not stated): TOPMed 0.00001.

Submissions (2):

Ambry Genetics
Classification: Uncertain significance for Inborn genetic diseases. Last evaluated: 2024-12-02. Review status: criteria provided, single submitter. Criteria: Ambry Variant Classification Scheme 2023. Collection method: clinical testing. Allele origin: germline.

Labcorp Genetics (formerly Invitae), Labcorp
Classification: Uncertain significance. Last evaluated: 2024-03-18. Review status: criteria provided, single submitter. Criteria: Invitae Variant Classification Sherloc (09022015). Collection method: clinical testing. Allele origin: germline.
Comment: This sequence change replaces glycine, which is neutral and non-polar, with cysteine, which is neutral and slightly polar, at codon 400 of the SLC1A2 protein (p.Gly400Cys). This variant is not present in population databases (gnomAD no frequency). This variant has not been reported in the literature in individuals affected with SLC1A2-related conditions. ClinVar contains an entry for this variant (Variation ID: 2181638). Advanced modeling of protein sequence and biophysical properties (such as structural, functional, and spatial information, amino acid conservation, physicochemical variation, residue mobility, and thermodynamic stability) performed at Invitae indicates that this missense variant is expected to disrupt SLC1A2 protein function with a positive predictive value of 80%. In summary, the available evidence is currently insufficient to determine the role of this variant in disease. Therefore, it has been classified as a Variant of Uncertain Significance.